The following is an entry in ClinVar:

NM_000264.5(PTCH1):c.387G>A (p.Trp129Ter)

Gene: PTCH1 (patched 1; minus strand). Cytogenetic location: 9q22.32.
Variant type: single nucleotide variant.
Coding change: c.387G>A on transcript NM_000264.5 (MANE Select); coding-DNA position 387, G replaced by A.
Protein change: p.Trp129Ter; replaces tryptophan 129 with a stop codon.
Molecular consequence: nonsense. On other transcripts: 5 prime UTR variant (4), non-coding transcript variant (1).
Genome position (GRCh38, 1-based): chr9:95,506,414, C>T on the plus strand (G>A on the coding strand, the complement: PTCH1 is on the minus strand). VCF-style: chr9-95506414-C-T. GRCh37 (hg19) VCF-style: chr9-98268696-C-T.
Other names: c.189G>A, p.Trp63Ter (NM_001083602.3, NM_001354919.2); c.384G>A, p.Trp128Ter (NM_001083603.3); c.-67G>A (NM_001083604.3, NM_001083605.3, NM_001083606.3 and 1 more transcripts); c.387G>A, p.Trp129Ter (NM_001354918.2); short protein forms W129*, W128*, W63*.
Identifiers: ClinVar variation 37076 (VCV000037076.15), dbSNP rs1587692888, ClinGen allele CA374120145.

ClinVar aggregate classification (germline): Pathogenic. Review status: criteria provided, multiple submitters, no conflicts (2 of 4 stars). 3 submissions from 3 submitters: Pathogenic (2). 1 of the submissions does not count toward it. Last evaluated 2025-10-01.

Conditions:
Basal cell nevus syndrome 1 (BCNS1). Also called: GORLIN-GOLTZ SYNDROME; MULTIPLE BASAL CELL NEVI, ODONTOGENIC KERATOCYSTS, AND SKELETAL ANOMALIES. Identifiers: MedGen CN376810, MONDO:0958174, OMIM 109400.
Gorlin syndrome. Also called: Basal cell nevus syndrome; Nevoid Basal Cell Carcinoma Syndrome. Identifiers: Orphanet 377, MedGen C0004779, MONDO:0007187.

Submissions (3):

CeGaT Center for Human Genetics Tuebingen
Classification: Pathogenic. Last evaluated: 2025-10-01. Review status: criteria provided, single submitter. Criteria: CeGaT Center For Human Genetics Tuebingen Variant Classification Criteria Version 2. Collection method: clinical testing. Allele origin: germline. Affected: yes. Observed: 1 variant allele.
Comment: PTCH1: PVS1:Strong, PM2, PS2:Moderate, PS4:Moderate

Labcorp Genetics (formerly Invitae), Labcorp
Classification: Pathogenic for Gorlin syndrome. Last evaluated: 2023-09-04. Review status: criteria provided, single submitter. Criteria: Invitae Variant Classification Sherloc (09022015). Collection method: clinical testing. Allele origin: germline.
Comment: This sequence change creates a premature translational stop signal (p.Trp129*) in the PTCH1 gene. It is expected to result in an absent or disrupted protein product. Loss-of-function variants in PTCH1 are known to be pathogenic (PMID: 16301862, 16419085). For these reasons, this variant has been classified as Pathogenic. ClinVar contains an entry for this variant (Variation ID: 37076). This premature translational stop signal has been observed in individual(s) with PTCH1-related conditions (PMID: 24204797). In at least one individual the variant was observed to be de novo. This variant is not present in population databases (gnomAD no frequency).

OMIM
Classification: Pathogenic for BASAL CELL NEVUS SYNDROME 1. Last evaluated: 2012-07-01. Review status: no assertion criteria provided. Collection method: literature only. Allele origin: germline. Not counted in ClinVar's aggregate classification.

Literature cited by the submitters: PubMed 16301862 (cited by Labcorp Genetics (formerly Invitae), Labcorp); PubMed 16419085 (cited by Labcorp Genetics (formerly Invitae), Labcorp); PubMed 24204797 (cited by Labcorp Genetics (formerly Invitae), Labcorp); PubMed 22572734 (cited by OMIM).